The following is an entry in ClinVar:

ClinVar aggregate classification (germline): Uncertain significance. Review status: criteria provided, multiple submitters, no conflicts (2 of 4 stars). 2 submissions from 2 submitters: Uncertain significance (2). Last evaluated 2024-11-04.

Conditions:
Medulloblastoma (MDB). Also called: MEDULLOBLASTOMA PREDISPOSITION SYNDROME; Medulloblastoma, somatic. Identifiers: Orphanet 616, MedGen C0025149, MeSH D008527, MONDO:0007959, OMIM 155255, HP:0002885.
Gorlin syndrome. Also called: Nevoid Basal Cell Carcinoma Syndrome; Basal cell nevus syndrome. Identifiers: Orphanet 377, MedGen C0004779, MONDO:0007187.

Allele frequency attached by ClinVar (database versions not stated): gnomAD exomes below 0.00001; TOPMed below 0.00001.
gnomAD v4.1: 2 of 1,614,226 alleles (0.00012%); highest among the groups gnomAD compares: Non-Finnish European, 0.00017%; no homozygotes.

Submissions (2):

Labcorp Genetics (formerly Invitae), Labcorp
Classification: Uncertain significance for Gorlin syndrome; Medulloblastoma. Last evaluated: 2024-11-04. Review status: criteria provided, single submitter. Criteria: Invitae Variant Classification Sherloc (09022015). Collection method: clinical testing. Allele origin: germline.
Comment: This sequence change replaces valine, which is neutral and non-polar, with methionine, which is neutral and non-polar, at codon 77 of the SUFU protein (p.Val77Met). This variant is not present in population databases (gnomAD no frequency). This missense change has been observed in individual(s) with Joubert syndrome (PMID: 28965847). ClinVar contains an entry for this variant (Variation ID: 2682090). Invitae Evidence Modeling of protein sequence and biophysical properties (such as structural, functional, and spatial information, amino acid conservation, physicochemical variation, residue mobility, and thermodynamic stability) indicates that this missense variant is not expected to disrupt SUFU protein function with a negative predictive value of 80%. In summary, the available evidence is currently insufficient to determine the role of this variant in disease. Therefore, it has been classified as a Variant of Uncertain Significance.

Quest Diagnostics Nichols Institute San Juan Capistrano
Classification: Uncertain significance. Last evaluated: 2023-05-26. Review status: criteria provided, single submitter. Criteria: Quest Diagnostics criteria. Collection method: clinical testing. Allele origin: unknown.
Comment: In the published literature, this variant has been reported in an individual with Joubert Syndrome (PMID: 28965847 (2017)). This variant has not been reported in large, multi-ethnic general populations (Genome Aggregation Database). Analysis of this variant using bioinformatics tools for the prediction of the effect of amino acid changes on protein structure and function yielded predictions that this variant is benign. Based on the available information, we are unable to determine the clinical significance of this variant.

Literature cited by the submitters: PubMed 28965847 (cited by Labcorp Genetics (formerly Invitae), Labcorp and Quest Diagnostics Nichols Institute San Juan Capistrano).

NM_016169.4(SUFU):c.229G>A (p.Val77Met)

Gene: SUFU (SUFU negative regulator of hedgehog signaling; plus strand). Cytogenetic location: 10q24.32.
Variant type: single nucleotide variant.
Coding change: c.229G>A on transcript NM_016169.4 (MANE Select); coding-DNA position 229, G replaced by A.
Protein change: p.Val77Met; replaces valine 77 with methionine.
Molecular consequence: missense variant.
Genome position (GRCh38, 1-based): chr10:102,509,215, G>A. VCF-style: chr10-102509215-G-A. GRCh37 (hg19) VCF-style: chr10-104268972-G-A.
Other names: c.229G>A, p.Val77Met (NM_001178133.2); short protein forms V77M.
Identifiers: ClinVar variation 2682090 (VCV002682090.4), dbSNP rs2062368359, ClinGen allele CA377888539.